The following is an entry in ClinVar:

NM_032861.4(SERAC1):c.391T>C (p.Cys131Arg)

Gene: SERAC1 (serine active site containing 1; minus strand). Cytogenetic location: 6q25.3.
Variant type: single nucleotide variant.
Coding change: c.391T>C on transcript NM_032861.4 (MANE Select); coding-DNA position 391, T replaced by C.
Protein change: p.Cys131Arg; replaces cysteine 131 with arginine.
Molecular consequence: missense variant. On other transcripts: non-coding transcript variant (1).
Genome position (GRCh38, 1-based): chr6:158,146,878, A>G on the plus strand (T>C on the coding strand, the complement: SERAC1 is on the minus strand). VCF-style: chr6-158146878-A-G. GRCh37 (hg19) VCF-style: chr6-158567910-A-G.
Other names: p.C131R:TGT>CGT; short protein forms C131R.
Identifiers: ClinVar variation 215150 (VCV000215150.53), dbSNP rs147085187, ClinGen allele CA324637.

ClinVar aggregate classification (germline): Conflicting classifications of pathogenicity. Review status: criteria provided, conflicting classifications (1 of 4 stars). 6 submissions from 6 submitters: Uncertain significance (5); Likely benign (1). Last evaluated 2026-03-01.

Conditions:
3-methylglutaconic aciduria with deafness, encephalopathy, and Leigh-like syndrome (MEGDEL). Also called: MEGDEL syndrome; 3-METHYLGLUTACONIC ACIDURIA, TYPE VI; SERAC1 Deficiency. Identifiers: Orphanet 352328, MedGen C4040739, MONDO:0013875, OMIM 614739.
Inborn genetic diseases. Identifiers: MedGen C0950123, MeSH D030342.

Allele frequency attached by ClinVar (database versions not stated): ESP Exome Variant Server 0.00008; TOPMed 0.00009; gnomAD exomes 0.00011 and 0.00013; ExAC 0.00012; gnomAD 0.00012 and 0.00013.
gnomAD v4.1: 210 of 1,613,766 alleles (0.013%); highest among the groups gnomAD compares: Non-Finnish European, 0.016%; no homozygotes.

Submissions (6):

CeGaT Center for Human Genetics Tuebingen
Classification: Likely benign. Last evaluated: 2026-03-01. Review status: criteria provided, single submitter. Criteria: CeGaT Center For Human Genetics Tuebingen Variant Classification Criteria Version 2. Collection method: clinical testing. Allele origin: germline. Affected: yes. Observed: 3 variant alleles.
Comment: SERAC1: BP4

GeneDx
Classification: Uncertain significance. Last evaluated: 2025-08-21. Review status: criteria provided, single submitter. Criteria: GeneDx Variant Classification Process June 2021. Collection method: clinical testing. Allele origin: germline. Affected: yes.
Comment: In silico analysis suggests that this missense variant does not alter protein structure/function; Has not been previously published as pathogenic or benign to our knowledge

Ambry Genetics
Classification: Uncertain significance for Inborn genetic diseases. Last evaluated: 2025-01-08. Review status: criteria provided, single submitter. Criteria: Ambry Variant Classification Scheme 2023. Collection method: clinical testing. Allele origin: germline.

Labcorp Genetics (formerly Invitae), Labcorp
Classification: Uncertain significance for 3-methylglutaconic aciduria with deafness, encephalopathy, and Leigh-like syndrome. Last evaluated: 2024-11-01. Review status: criteria provided, single submitter. Criteria: Invitae Variant Classification Sherloc (09022015). Collection method: clinical testing. Allele origin: germline.
Comment: This sequence change replaces cysteine, which is neutral and slightly polar, with arginine, which is basic and polar, at codon 131 of the SERAC1 protein (p.Cys131Arg). This variant is present in population databases (rs147085187, gnomAD 0.02%). This variant has not been reported in the literature in individuals affected with SERAC1-related conditions. ClinVar contains an entry for this variant (Variation ID: 215150). Invitae Evidence Modeling of protein sequence and biophysical properties (such as structural, functional, and spatial information, amino acid conservation, physicochemical variation, residue mobility, and thermodynamic stability) indicates that this missense variant is not expected to disrupt SERAC1 protein function with a negative predictive value of 80%. In summary, the available evidence is currently insufficient to determine the role of this variant in disease. Therefore, it has been classified as a Variant of Uncertain Significance.

Blueprint Genetics
Classification: Uncertain significance. Last evaluated: 2024-08-13. Review status: criteria provided, single submitter. Criteria: ACMG Guidelines, 2015. Collection method: clinical testing. Allele origin: germline.

Genome-Nilou Lab
Classification: Uncertain significance for 3-methylglutaconic aciduria with deafness, encephalopathy, and Leigh-like syndrome. Last evaluated: 2022-03-15. Review status: criteria provided, single submitter. Criteria: ACMG Guidelines, 2015. Collection method: clinical testing. Allele origin: germline. Affected: no.